The following is an entry in ClinVar:

ClinVar aggregate classification (germline): Conflicting classifications of pathogenicity. Review status: criteria provided, conflicting classifications (1 of 4 stars). 3 submissions from 3 submitters: Uncertain significance (2); Likely benign (1). Last evaluated 2026-06-24.

Conditions:
Inborn genetic diseases. Identifiers: MedGen C0950123, MeSH D030342.

Allele frequency attached by ClinVar (database versions not stated): gnomAD exomes 0.00009; ExAC 0.00007; gnomAD 0.00002.
gnomAD v4.1: 124 of 1,606,960 alleles (0.0077%); highest among the groups gnomAD compares: Non-Finnish European, 0.01%; no homozygotes.

Submissions (3):

Women's Health and Genetics/Laboratory Corporation of America, LabCorp
Classification: Uncertain significance. Last evaluated: 2026-06-24. Review status: criteria provided, single submitter. Criteria: LabCorp Variant Classification Summary - May 2015. Collection method: clinical testing. Allele origin: germline.
Comment: Variant summary: ADGRV1 c.2956A>G (p.Lys986Glu) results in a conservative amino acid change in the encoded protein sequence. Algorithms developed to predict the effect of missense changes on protein structure and function all suggest that this variant is likely to be tolerated. The variant allele was found at a frequency of 4.9e-05 in 244254 control chromosomes. This frequency is not significantly higher than estimated for disease-causing variants in ADGRV1, allowing no conclusion about variant significance. To our knowledge, no occurrence of c.2956A>G in individuals affected with ADGRV1-related conditions and no experimental evidence demonstrating its impact on protein function have been reported. ClinVar contains an entry for this variant (Variation ID: 2192720). Based on the evidence outlined above, the variant was classified as uncertain significance.

Ambry Genetics
Classification: Uncertain significance for Inborn genetic diseases. Last evaluated: 2025-04-13. Review status: criteria provided, single submitter. Criteria: Ambry Variant Classification Scheme 2023. Collection method: clinical testing. Allele origin: germline.

Labcorp Genetics (formerly Invitae), Labcorp
Classification: Likely benign. Last evaluated: 2024-12-23. Review status: criteria provided, single submitter. Criteria: Invitae Variant Classification Sherloc (09022015). Collection method: clinical testing. Allele origin: germline.

NM_032119.4(ADGRV1):c.2956A>G (p.Lys986Glu)

Gene: ADGRV1 (adhesion G protein-coupled receptor V1; plus strand). Cytogenetic location: 5q14.3.
Variant type: single nucleotide variant.
Coding change: c.2956A>G on transcript NM_032119.4 (MANE Select); coding-DNA position 2956, A replaced by G.
Protein change: p.Lys986Glu; replaces lysine 986 with glutamic acid.
Molecular consequence: missense variant. On other transcripts: non-coding transcript variant (1).
Genome position (GRCh38, 1-based): chr5:90,646,025, A>G. VCF-style: chr5-90646025-A-G. GRCh37 (hg19) VCF-style: chr5-89941842-A-G.
Other names: c.2956A>G (NM_032119.3); short protein forms K986E.
Identifiers: ClinVar variation 2192720 (VCV002192720.8), dbSNP rs774530431, ClinGen allele CA3339069.